The following is an entry in ClinVar:

ClinVar aggregate classification (germline): Uncertain significance (1 of 4 stars; one submission).

gnomAD v4.1: 2 of 1,613,568 alleles (0.00012%); highest among the groups gnomAD compares: Admixed American, 0.0017%; no homozygotes.

Submission:

Labcorp Genetics (formerly Invitae), Labcorp
Classification: Uncertain significance. Last evaluated: 2025-10-28. Review status: criteria provided, single submitter. Criteria: Invitae Variant Classification Sherloc (09022015). Collection method: clinical testing. Allele origin: germline.
Comment: This sequence change replaces alanine, which is neutral and non-polar, with valine, which is neutral and non-polar, at codon 826 of the TCIRG1 protein (p.Ala826Val). This variant is not present in population databases (gnomAD no frequency). This variant has not been reported in the literature in individuals affected with TCIRG1-related conditions. Invitae Evidence Modeling of protein sequence and biophysical properties (such as structural, functional, and spatial information, amino acid conservation, physicochemical variation, residue mobility, and thermodynamic stability) indicates that this missense variant is not expected to disrupt TCIRG1 protein function with a negative predictive value of 80%. In summary, the available evidence is currently insufficient to determine the role of this variant in disease. Therefore, it has been classified as a Variant of Uncertain Significance.

NM_006019.4(TCIRG1):c.2477C>T (p.Ala826Val)

Gene: TCIRG1 (T cell immune regulator 1, ATPase H+ transporting V0 subunit a3; plus strand). Cytogenetic location: 11q13.2.
Variant type: single nucleotide variant.
Coding change: c.2477C>T on transcript NM_006019.4 (MANE Select); coding-DNA position 2477, C replaced by T.
Protein change: p.Ala826Val; replaces alanine 826 with valine.
Molecular consequence: missense variant. On other transcripts: 3 prime UTR variant (4).
Genome position (GRCh38, 1-based): chr11:68,050,803, C>T. VCF-style: chr11-68050803-C-T. GRCh37 (hg19) VCF-style: chr11-67818270-C-T.
Other names: c.1583C>T, p.Ala528Val (NM_001351059.2); c.2477C>T, p.Ala826Val (NM_001440552.1, NM_001440553.1, NM_001440554.1); c.2435C>T, p.Ala812Val (NM_001440555.1, NM_001440556.1); c.*16C>T (NM_001440557.1, NM_001440558.1, NM_001440563.1 and 1 more transcripts); c.2264C>T, p.Ala755Val (NM_001440559.1, NM_001440560.1, NM_001440561.1 and 1 more transcripts); c.2222C>T, p.Ala741Val (NM_001440564.1); c.2177C>T, p.Ala726Val (NM_001440565.1); c.2015C>T, p.Ala672Val (NM_001440567.1); and 3 more; short protein forms A506V, A528V, A610V, A670V, A672V, A726V, A741V, A755V.
Identifiers: ClinVar variation 4810249 (VCV004810249.1).